The following is an entry in ClinVar:

ClinVar aggregate classification (germline): Uncertain significance (1 of 4 stars; one submission).

Allele frequency attached by ClinVar (database versions not stated): TOPMed below 0.00001; gnomAD 0.00003; 1000 Genomes Project 30x 0.00016; 1000 Genomes Project 0.00020.
gnomAD v4.1: 39 of 1,550,440 alleles (0.0025%); highest among the groups gnomAD compares: East Asian, 0.0073%; no homozygotes.

Submission:

Mayo Clinic Laboratories, Mayo Clinic
Classification: Uncertain significance. Last evaluated: 2022-11-15. Review status: criteria provided, single submitter. Criteria: ACMG Guidelines, 2015. Collection method: clinical testing. Allele origin: germline. Observed: 1 variant allele.
Comment: PM2

NM_001292063.2(OTOG):c.1027C>T (p.Arg343Trp)

Gene: OTOG (otogelin; plus strand). Cytogenetic location: 11p15.1.
Variant type: single nucleotide variant.
Coding change: c.1027C>T on transcript NM_001292063.2 (MANE Select); coding-DNA position 1027, C replaced by T.
Protein change: p.Arg343Trp; replaces arginine 343 with tryptophan.
Molecular consequence: missense variant.
Genome position (GRCh38, 1-based): chr11:17,558,568, C>T. VCF-style: chr11-17558568-C-T. GRCh37 (hg19) VCF-style: chr11-17580115-C-T.
Other names: p.Arg355Trp; c.1063C>T, p.Arg355Trp (NM_001277269.2); short protein forms R343W, R355W.
Identifiers: ClinVar variation 2683139 (VCV002683139.1), dbSNP rs544751623, ClinGen allele CA5905435.